The following is an entry in ClinVar:

NM_000138.5(FBN1):c.6313+1G>A

Gene: FBN1 (fibrillin 1; minus strand). Cytogenetic location: 15q21.1.
Variant type: single nucleotide variant.
Coding change: c.6313+1G>A on transcript NM_000138.5 (MANE Select); the canonical splice donor site of the intron after coding-DNA position 6313, G replaced by A.
Molecular consequence: splice donor variant.
Genome position (GRCh38, 1-based): chr15:48,437,767, C>T on the plus strand (G>A on the coding strand, the complement: FBN1 is on the minus strand). VCF-style: chr15-48437767-C-T. GRCh37 (hg19) VCF-style: chr15-48729964-C-T.
Other names: c.6313+1G>A (NM_000138.4, NM_001406716.1).
Identifiers: ClinVar variation 1074121 (VCV001074121.8), dbSNP rs2141241397, ClinGen allele CA392336884.

ClinVar aggregate classification (germline): Pathogenic. Review status: criteria provided, multiple submitters, no conflicts (2 of 4 stars). 2 submissions from 2 submitters: Pathogenic (2). Last evaluated 2025-08-21.

Conditions:
Familial thoracic aortic aneurysm and aortic dissection (TAAD). Also called: Thoracic aortic aneurysms and dissections. Identifiers: Orphanet 91387, MedGen C4707243, MONDO:0019625.
Marfan syndrome (MFS). Also called: Marfan syndrome type 1; Marfan's syndrome; Marfan syndrome, classic; MARFAN SYNDROME, TYPE I; FBN1-Related Marfan Syndrome. Identifiers: Orphanet 284963, Orphanet 558, MedGen C0024796, MONDO:0007947, OMIM 154700.
FBN1-related disorder. Also called: FBN1-related disorders.

Submissions (2):

PreventionGenetics, part of Exact Sciences
Classification: Pathogenic for FBN1-related condition. Last evaluated: 2025-08-21. Review status: criteria provided, single submitter. Criteria: ACMG Guidelines, 2015. Collection method: clinical testing. Allele origin: germline.
Comment: The FBN1 c.6313+1G>A variant is predicted to disrupt the GT donor site and interfere with normal splicing. This variant has been reported in individuals with clinical features of Marfan syndrome (Cui et al. 2012. PubMed ID: 22913777; Yang et al. 2022. PubMed ID: 36517271). This variant has not been reported in a large population database (gnomAD), indicating this variant is rare. Variants that disrupt the consensus splice donor site in FBN1 are expected to be pathogenic. This variant is interpreted as pathogenic.

Labcorp Genetics (formerly Invitae), Labcorp
Classification: Pathogenic for Marfan syndrome; Familial thoracic aortic aneurysm and aortic dissection. Last evaluated: 2023-08-27. Review status: criteria provided, single submitter. Criteria: Invitae Variant Classification Sherloc (09022015). Collection method: clinical testing. Allele origin: germline.
Comment: ClinVar contains an entry for this variant (Variation ID: 1074121). Algorithms developed to predict the effect of sequence changes on RNA splicing suggest that this variant may disrupt the consensus splice site. For these reasons, this variant has been classified as Pathogenic. Disruption of this splice site has been observed in individuals with clinical features of Marfan syndrome (PMID: 17657824, 22913777; Invitae). This sequence change affects a donor splice site in intron 51 of the FBN1 gene. It is expected to disrupt RNA splicing. Variants that disrupt the donor or acceptor splice site typically lead to a loss of protein function (PMID: 16199547), and loss-of-function variants in FBN1 are known to be pathogenic (PMID: 17657824, 19293843). This variant is not present in population databases (gnomAD no frequency).

Literature cited by the submitters: PubMed 17657824 (cited by Labcorp Genetics (formerly Invitae), Labcorp); PubMed 22913777 (cited by Labcorp Genetics (formerly Invitae), Labcorp); PubMed 16199547 (cited by Labcorp Genetics (formerly Invitae), Labcorp); PubMed 19293843 (cited by Labcorp Genetics (formerly Invitae), Labcorp).